The following is an entry in ClinVar:

NM_001290043.2(TAP2):c.1636-1G>A

Gene: TAP2 (transporter 2, ATP binding cassette subfamily B member; minus strand). Cytogenetic location: 6p21.32.
Variant type: single nucleotide variant.
Coding change: c.1636-1G>A on transcript NM_001290043.2 (MANE Select); the canonical splice acceptor site of the intron before coding-DNA position 1636, G replaced by A.
Molecular consequence: splice acceptor variant.
Genome position (GRCh38, 1-based): chr6:32,830,090, C>T on the plus strand (G>A on the coding strand, the complement: TAP2 is on the minus strand). VCF-style: chr6-32830090-C-T. GRCh37 (hg19) VCF-style: chr6-32797867-C-T.
Other names: c.1636-1G>A (NM_018833.3).
Identifiers: ClinVar variation 2727952 (VCV002727952.6), dbSNP rs1768957914, ClinGen allele CA363579791.

ClinVar aggregate classification (germline): Pathogenic/Likely pathogenic. Review status: criteria provided, multiple submitters, no conflicts (2 of 4 stars). 3 submissions from 3 submitters: Pathogenic (2); Likely pathogenic (1). Last evaluated 2025-02-12.

Conditions:
MHC class I deficiency. Identifiers: Orphanet 34592, MedGen C6024714, MONDO:0011476.
MHC class I deficiency 2. Identifiers: MedGen C5935617, MONDO:0971011, OMIM 620813.
TAP2-related disorder. Also called: TAP2-related condition.

Allele frequency attached by ClinVar (database versions not stated): gnomAD 0.00001; gnomAD exomes 0.00001.
gnomAD v4.1: 4 of 1,612,930 alleles (0.00025%); highest among the groups gnomAD compares: Middle Eastern, 0.017%; no homozygotes.

Submissions (3):

Victorian Clinical Genetics Services, Murdoch Childrens Research Institute
Classification: Pathogenic for MHC class I deficiency 2. Last evaluated: 2025-02-12. Review status: criteria provided, single submitter. Criteria: ACMG Guidelines, 2015. Collection method: clinical testing. Allele origin: germline. Affected: yes.
Comment: This variant is classified as Pathogenic. Evidence in support of pathogenic classification: Canonical splice site variant without proven consequence on splicing (no functional evidence available). Aberrant splicing and the activation of a new splice site one nucleotide downstream has been suggested; however, not all relevant data was reported (PMID: 12067308); Variant is present in gnomAD <0.01 for a recessive condition (v4: 4 heterozygote(s), 0 homozygote(s)); This variant has limited previous evidence of pathogenicity in unrelated individual(s). This variant has been classified as pathogenic by a clinical laboratory in ClinVar, and reported in the literature in two homozygous siblings, both with HLA class 1 deficiency (PMID: 12067308); Abnormal splicing is predicted by in silico tool and affected nucleotide is highly conserved. Additional information: This variant is homozygous; This gene is associated with autosomal recessive disease; Alternative nucleotide change(s) at the same canonical splice site are present in gnomAD (Highest alelle count: v4: 1 heterozygote(s), 0 homozygote(s)); No published functional evidence has been identified for this variant; No comparable splice site variants have previous evidence for pathogenicity; Loss of function is a known mechanism of disease in this gene and is associated with MHC class I deficiency 2 (MIM#620813); Inheritance information for this variant is not currently available in this individual.

Labcorp Genetics (formerly Invitae), Labcorp
Classification: Pathogenic for MHC class I deficiency 1. Last evaluated: 2024-04-29. Review status: criteria provided, single submitter. Criteria: Invitae Variant Classification Sherloc (09022015). Collection method: clinical testing. Allele origin: germline.
Comment: This sequence change affects an acceptor splice site in intron 9 of the TAP2 gene. It is expected to disrupt RNA splicing. Variants that disrupt the donor or acceptor splice site typically lead to a loss of protein function (PMID: 16199547), and loss-of-function variants in TAP2 are known to be pathogenic (PMID: 7517574, 11529920, 12067308, 23662797). This variant is not present in population databases (gnomAD no frequency). Disruption of this splice site has been observed in individual(s) with clinical features of MHC class I deficiency (PMID: 12067308). It has also been observed to segregate with disease in related individuals. This variant is also known as G to A substitution in the acceptor splicing site of intron IX . Algorithms developed to predict the effect of sequence changes on RNA splicing suggest that this variant may disrupt the consensus splice site. For these reasons, this variant has been classified as Pathogenic.

Blueprint Genetics
Classification: Likely pathogenic for TAP2-related disorders. Last evaluated: 2022-12-07. Review status: criteria provided, single submitter. Criteria: ACMG Guidelines, 2015. Collection method: clinical testing. Allele origin: germline. Affected: yes. Observed: 2 variant alleles.

Literature cited by the submitters: PubMed 12067308 (cited by Victorian Clinical Genetics Services, Murdoch Childrens Research Institute and Labcorp Genetics (formerly Invitae), Labcorp); PubMed 16199547 (cited by Labcorp Genetics (formerly Invitae), Labcorp); PubMed 7517574 (cited by Labcorp Genetics (formerly Invitae), Labcorp); PubMed 11529920 (cited by Labcorp Genetics (formerly Invitae), Labcorp); PubMed 23662797 (cited by Labcorp Genetics (formerly Invitae), Labcorp).